The following is an entry in ClinVar:

NM_001754.5(RUNX1):c.1110del (p.Met371fs)

Gene: RUNX1 (RUNX family transcription factor 1; minus strand). Cytogenetic location: 21q22.12.
Variant type: Deletion.
Coding change: c.1110del on transcript NM_001754.5 (MANE Select); coding-DNA position 1110, one base deleted (C; older notation c.1110delC).
Protein change: p.Met371fs; shifts the reading frame from methionine 371.
Molecular consequence: frameshift variant.
Genome position (GRCh38, 1-based): chr21:34,792,468, G deleted on the plus strand (C on the coding strand, the reverse complement: RUNX1 is on the minus strand); the first of 2 consecutive G bases (chr21:34,792,468-34,792,469); deleting either gives the same sequence. VCF-style (leftmost placement, unchanged base first): chr21-34792467-TG-T. GRCh37 (hg19) VCF-style: chr21-36164764-TG-T.
Other names: NM_001754.5(RUNX1):c.1110del; p.Met371fs; c.1110delC (NM_001754.4); c.1029del, p.Met344fs (NM_001001890.3); short protein forms M344fs, M371fs.
Identifiers: ClinVar variation 1710503 (VCV001710503.4), dbSNP rs2516822206, ClinGen allele CA2580098818.

ClinVar aggregate classification (germline): Likely pathogenic. Review status: reviewed by expert panel (3 of 4 stars). 2 submissions from 2 submitters: Likely pathogenic (1). 1 of the submissions does not count toward it. Last evaluated 2026-10-02.

Conditions:
Hereditary thrombocytopenia and hematologic cancer predisposition syndrome. Identifiers: Orphanet 71290, MedGen CN281654, MONDO:0011071.
Hereditary thrombocytopenia and hematological cancer predisposition syndrome associated with RUNX1. Also called: Familial Platelet Disorder with Propensity to Acute Myelogenous Leukemia; Familial thrombocytopenia with propensity to acute myelogenous leukemia; PLATELET DISORDER, ASPIRIN-LIKE; RUNX1 Familial Platelet Disorder with Associated Myeloid Malignancies. Identifiers: Orphanet 71290, MedGen C1832388, MeSH C563324, MONDO:0100083, OMIM 601399.

Submissions (2):

ClinGen Myeloid Malignancy Variant Curation Expert Panel
Classification: Likely pathogenic for Hereditary thrombocytopenia and hematologic cancer predisposition syndrome. Last evaluated: 2026-10-02. Review status: reviewed by expert panel. Criteria: ClinGen MyeloMalig ACMG Specifications V3.1. Collection method: curation. Allele origin: germline. Inheritance: Autosomal dominant inheritance.
Comment: NM_001754.5(RUNX1):c.1110del (p.Met371TrpfsTer?) is a frameshift variant which is not predicted to undergo NMD (PVS1_Strong). This variant is downstream of c.98 (PM5_Supporting) and is completely absent from all population databases with at least 20x coverage for RUNX1 (PM2_Supporting). In summary, this variant meets criteria to be classified as likely pathogenic. ACMG/AMP criteria applied, as specified by the Myeloid Malignancy Variant Curation Expert Panel for RUNX1: PVS1_Strong, PM5_Supporting, PM2_Supporting.

RUNX1 Natural History Study, National Human Genome Research Institute/National Institutes of Health
Classification: Pathogenic for Hereditary thrombocytopenia and hematological cancer predisposition syndrome associated with RUNX1. Review status: no assertion criteria provided. Collection method: research. Allele origin: germline. Inheritance: Autosomal dominant inheritance. Affected: yes. Observed: 1 heterozygote. Not counted in ClinVar's aggregate classification.